The following is an entry in ClinVar:

ClinVar aggregate classification (germline): Uncertain significance. Review status: criteria provided, multiple submitters, no conflicts (2 of 4 stars). 2 submissions from 2 submitters: Uncertain significance (2). Last evaluated 2026-09-11.

Conditions:
Episodic ataxia type 2 (EA2). Also called: ATAXIA, EPISODIC, WITH NYSTAGMUS; ATAXIA, FAMILIAL PAROXYSMAL; CEREBELLAR ATAXIA, PAROXYSMAL, ACETAZOLAMIDE-RESPONSIVE; CEREBELLOPATHY, HEREDITARY PAROXYSMAL; EPISODIC ATAXIA, NYSTAGMUS-ASSOCIATED; ACETAZOLAMIDE-RESPONSIVE HEREDITARY PAROXYSMAL CEREBELLAR ATAXIA. Identifiers: Orphanet 97, MedGen C1720416, MONDO:0007163, OMIM 108500.
Developmental and epileptic encephalopathy, 42 (DEE42A). Also called: Epileptic encephalopathy, early infantile, 42; DEVELOPMENTAL AND EPILEPTIC ENCEPHALOPATHY 42A; EPILEPTIC ENCEPHALOPATHY, EARLY INFANTILE, 42A. Identifiers: MedGen C4310716, MONDO:0014917, OMIM 617106.

Submissions (2):

GeneDx
Classification: Uncertain significance. Last evaluated: 2026-09-11. Review status: criteria provided, single submitter. Criteria: GeneDx Variant Classification Process June 2021. Collection method: clinical testing. Allele origin: germline.
Comment: Reported, as N715S due to the use of alternative nomenclature, as apparently de novo in a patient with congenital heart disease and conotruncal defect in the published literature; however, additional clinical information was not provided and it is unknown if the patient had a neurodevelopmental phenotype (PMID: 28991257); Not observed at significant frequency in large population cohorts (gnomAD); In silico analysis supports that this missense variant has a deleterious effect on protein structure/function; This variant is associated with the following publications: (PMID: 32368696, 31941532, 28991257, 40127276)

Labcorp Genetics (formerly Invitae), Labcorp
Classification: Uncertain significance for Developmental and epileptic encephalopathy, 42; Episodic ataxia type 2. Last evaluated: 2024-05-08. Review status: criteria provided, single submitter. Criteria: Invitae Variant Classification Sherloc (09022015). Collection method: clinical testing. Allele origin: germline.
Comment: This sequence change replaces asparagine, which is neutral and polar, with serine, which is neutral and polar, at codon 716 of the CACNA1A protein (p.Asn716Ser). This variant is not present in population databases (gnomAD no frequency). This variant has not been reported in the literature in individuals affected with CACNA1A-related conditions. ClinVar contains an entry for this variant (Variation ID: 1308259). Advanced modeling of protein sequence and biophysical properties (such as structural, functional, and spatial information, amino acid conservation, physicochemical variation, residue mobility, and thermodynamic stability) performed at Invitae indicates that this missense variant is expected to disrupt CACNA1A protein function with a positive predictive value of 95%. In summary, the available evidence is currently insufficient to determine the role of this variant in disease. Therefore, it has been classified as a Variant of Uncertain Significance.

NM_001127222.2(CACNA1A):c.2144A>G (p.Asn715Ser)

Gene: CACNA1A (calcium voltage-gated channel subunit alpha1 A; minus strand). Cytogenetic location: 19p13.13.
Variant type: single nucleotide variant.
Coding change: c.2144A>G on transcript NM_001127222.2 (MANE Select); coding-DNA position 2144, A replaced by G.
Protein change: p.Asn715Ser; replaces asparagine 715 with serine.
Molecular consequence: missense variant.
Genome position (GRCh38, 1-based): chr19:13,303,574, T>C on the plus strand (A>G on the coding strand, the complement: CACNA1A is on the minus strand). VCF-style: chr19-13303574-T-C. GRCh37 (hg19) VCF-style: chr19-13414388-T-C.
Other names: c.2147A>G, p.Asn716Ser (NM_000068.4, NM_001127221.2, NM_001174080.2 and 1 more transcripts); short protein forms N715S, N716S.
Identifiers: ClinVar variation 1308259 (VCV001308259.9), dbSNP rs1555757432, ClinGen allele CA404344159.